The following is an entry in ClinVar:

ClinVar aggregate classification (germline): Likely pathogenic (1 of 4 stars; one submission).

Conditions:
Autosomal recessive polycystic kidney disease (ARPKD). Also called: AR polycystic kidney disease. Identifiers: Orphanet 731, Orphanet 8378, MedGen C0085548, MeSH D017044, MONDO:0009889.

Submission:

Natera, Inc.
Classification: Likely pathogenic for Autosomal recessive polycystic kidney disease. Last evaluated: 2025-02-05. Review status: criteria provided, single submitter. Criteria: Natera Variant Classification Schema (03/2026). Collection method: clinical testing. Allele origin: germline.
Comment: The c.10115del variant in PKHD1 is a frameshift variant predicted to shift the reading frame beginning at codon 3372 and leads to a stop codon 28 codons downstream. This variant is expected to result in nonsense mediated decay, truncation, or a dysfunctional protein product. This variant is rare in the general population with a frequency below the threshold expected for the associated phenotype(s). Given the available evidence, this variant is classified as Likely Pathogenic.

NM_138694.4(PKHD1):c.10115del (p.Pro3372fs)

Gene: PKHD1 (PKHD1 ciliary IPT domain containing fibrocystin/polyductin; minus strand). Cytogenetic location: 6p12.3.
Variant type: Deletion.
Coding change: c.10115del on transcript NM_138694.4 (MANE Select); coding-DNA position 10115, one base deleted (C; older notation c.10115delC).
Protein change: p.Pro3372fs; shifts the reading frame from proline 3372.
Molecular consequence: frameshift variant.
Genome position (GRCh38, 1-based): chr6:51,744,426, G deleted on the plus strand (C on the coding strand, the reverse complement: PKHD1 is on the minus strand); the first of 2 consecutive G bases (chr6:51,744,426-51,744,427); deleting either gives the same sequence. VCF-style (leftmost placement, unchanged base first): chr6-51744425-AG-A. GRCh37 (hg19) VCF-style: chr6-51609223-AG-A.
Other names: c.10115del, p.Pro3372fs (NM_170724.3); short protein forms P3372fs.
Identifiers: ClinVar variation 4060293 (VCV004060293.2).